The following is an entry in ClinVar:

ClinVar aggregate classification (germline): Uncertain significance (1 of 4 stars; one submission).

Submission:

Labcorp Genetics (formerly Invitae), Labcorp
Classification: Uncertain significance. Last evaluated: 2025-02-20. Review status: criteria provided, single submitter. Criteria: Invitae Variant Classification Sherloc (09022015). Collection method: clinical testing. Allele origin: germline.
Comment: This sequence change replaces serine, which is neutral and polar, with proline, which is neutral and non-polar, at codon 56 of the TET2 protein (p.Ser56Pro). This variant is not present in population databases (gnomAD no frequency). This variant has not been reported in the literature in individuals affected with TET2-related conditions. An algorithm developed to predict the effect of missense changes on protein structure and function outputs the following: PolyPhen-2: "Benign". The proline amino acid residue is found in multiple mammalian species, which suggests that this missense change does not adversely affect protein function. In summary, the available evidence is currently insufficient to determine the role of this variant in disease. Therefore, it has been classified as a Variant of Uncertain Significance.

NM_001127208.3(TET2):c.166T>C (p.Ser56Pro)

Genes: TET2 (tet methylcytosine dioxygenase 2; plus strand), TET2-AS1 (TET2 antisense RNA 1; minus strand). Cytogenetic location: 4q24.
Variant type: single nucleotide variant.
Coding change: c.166T>C on transcript NM_001127208.3 (MANE Select); coding-DNA position 166, T replaced by C.
Protein change: p.Ser56Pro; replaces serine 56 with proline.
Molecular consequence: missense variant.
Genome position (GRCh38, 1-based): chr4:105,234,108, T>C. VCF-style: chr4-105234108-T-C. GRCh37 (hg19) VCF-style: chr4-106155265-T-C.
Other names: c.166T>C, p.Ser56Pro (NM_017628.4); short protein forms S56P.
Identifiers: ClinVar variation 4713545 (VCV004713545.1).